The following is an entry in ClinVar:

ClinVar aggregate classification (germline): Uncertain significance (1 of 4 stars; one submission).

Submission:

Labcorp Genetics (formerly Invitae), Labcorp
Classification: Uncertain significance. Last evaluated: 2022-05-13. Review status: criteria provided, single submitter. Criteria: Invitae Variant Classification Sherloc (09022015). Collection method: clinical testing. Allele origin: germline.
Comment: In summary, the available evidence is currently insufficient to determine the role of this variant in disease. Therefore, it has been classified as a Variant of Uncertain Significance. Variants that disrupt the consensus splice site are a relatively common cause of aberrant splicing (PMID: 17576681, 9536098). Algorithms developed to predict the effect of sequence changes on RNA splicing suggest that this variant may create or strengthen a splice site. This variant has not been reported in the literature in individuals affected with COQ2-related conditions. This variant is not present in population databases (gnomAD no frequency). This sequence change falls in intron 4 of the COQ2 gene. It does not directly change the encoded amino acid sequence of the COQ2 protein. It affects a nucleotide within the consensus splice site.

Literature cited by the submitters: PubMed 17576681; PubMed 9536098.

NM_001358921.2(COQ2):c.628+6C>T

Gene: COQ2 (coenzyme Q2, polyprenyltransferase; minus strand). Cytogenetic location: 4q21.23.
Variant type: single nucleotide variant.
Coding change: c.628+6C>T on transcript NM_001358921.2 (MANE Select); 6 bases into the intron after coding-DNA position 628, C replaced by T.
Molecular consequence: intron variant.
Genome position (GRCh38, 1-based): chr4:83,272,081, G>A on the plus strand (C>T on the coding strand, the complement: COQ2 is on the minus strand). VCF-style: chr4-83272081-G-A. GRCh37 (hg19) VCF-style: chr4-84193234-G-A.
Other names: c.778+6C>T (NM_015697.9).
Identifiers: ClinVar variation 1994004 (VCV001994004.3), dbSNP rs2529758804, ClinGen allele CA2580071839.
Genomic context (GRCh38, chr4:83,272,081, plus strand): 5'-CTATCTCTCCATAAAAGTGTAGTTTGCAAATATCAAAGGAAATACTTTTAGTTATTGTAA[G>A]CTCACCCAAGGCTAGTTGAGGCCAGTATGAAATTCTTTTCATTAGTGGGTAGGTGATGAC-3'